The following is an entry in ClinVar:

NM_030973.4(MED25):c.264C>T (p.Thr88=)

Gene: MED25 (mediator complex subunit 25; plus strand). Cytogenetic location: 19q13.33.
Variant type: single nucleotide variant.
Coding change: c.264C>T on transcript NM_030973.4 (MANE Select); coding-DNA position 264, C replaced by T.
Protein change: p.Thr88=; no amino-acid change (threonine 88 retained).
Molecular consequence: synonymous variant.
Genome position (GRCh38, 1-based): chr19:49,819,255, C>T. VCF-style: chr19-49819255-C-T. GRCh37 (hg19) VCF-style: chr19-50322512-C-T.
Other names: c.264C>T, p.Thr88= (NM_001378355.1).
Identifiers: ClinVar variation 3047809 (VCV003047809.2), dbSNP rs2514497682, ClinGen allele CA508140117.
Genomic context (GRCh38, chr19:49,819,255, plus strand): 5'-CGTGGTGTTCAACACAGTGGACTGCGCTCCCGAGTCCTACGTACAATGTCACGCTCCCAC[C>T]AGCAGCGCCTATGAGTTTGTCACCTGGCTCGATGGCATTAAGTGAGCTTTCCCCCACTTG-3'
Protein context (NP_112235.2, residues 78-98): PESYVQCHAP[Thr88=]SSAYEFVTWL

ClinVar aggregate classification (germline): Likely benign (0 of 4 stars; one submission).

Conditions:
MED25-related disorder. Also called: MED25-related condition.

Submission:

PreventionGenetics, part of Exact Sciences
Classification: Likely benign for MED25-related condition. Last evaluated: 2019-03-21. Review status: no assertion criteria provided. Collection method: clinical testing. Allele origin: germline.
Comment: This variant is classified as likely benign based on ACMG/AMP sequence variant interpretation guidelines (Richards et al. 2015 PMID: 25741868, with internal and published modifications).